The following is an entry in ClinVar:

ClinVar aggregate classification (germline): Uncertain significance. Review status: criteria provided, multiple submitters, no conflicts (2 of 4 stars). 4 submissions from 4 submitters: Uncertain significance (4). Last evaluated 2025-08-15.

Conditions:
Cataract 41 (CTRCT41). Also called: CATARACT 41, CONGENITAL NUCLEAR TYPE. Identifiers: Orphanet 91492, Orphanet 98991, Orphanet 98992, Orphanet 98995, MedGen C3805412, MONDO:0007287, OMIM 116400.
Wolfram syndrome 1 (WFS1). Identifiers: Orphanet 3463, MedGen C4551693, MONDO:0009101, OMIM 222300.
Wolfram-like syndrome. Also called: HEARING LOSS, PROGRESSIVE, WITH OPTIC ATROPHY AND/OR IMPAIRED GLUCOSE REGULATION. Identifiers: Orphanet 411590, MedGen C3280358, MONDO:0013673, OMIM 614296.
Autosomal dominant nonsyndromic hearing loss 6 (LFSNHL). Also called: DEAFNESS, AUTOSOMAL DOMINANT 6; DEAFNESS, AUTOSOMAL DOMINANT 14; DEAFNESS, AUTOSOMAL DOMINANT 38; Autosomal dominant nonsyndromic deafness 6. Identifiers: Orphanet 90635, MedGen C1833021, MONDO:0010963, OMIM 600965.
Type 2 diabetes mellitus. Also called: Type II diabetes mellitus. Identifiers: MedGen C0011860, MeSH D003924, MONDO:0005148, OMIM 125853, HP:0005978.

gnomAD v4.1: 8 of 1,613,784 alleles (0.0005%); highest among the groups gnomAD compares: African/African-American, 0.0094%; no homozygotes.

Submissions (4):

Labcorp Genetics (formerly Invitae), Labcorp
Classification: Uncertain significance. Last evaluated: 2025-08-15. Review status: criteria provided, single submitter. Criteria: Invitae Variant Classification Sherloc (09022015). Collection method: clinical testing. Allele origin: germline.
Comment: This sequence change replaces isoleucine, which is neutral and non-polar, with valine, which is neutral and non-polar, at codon 324 of the WFS1 protein (p.Ile324Val). This variant is present in population databases (no rsID available, gnomAD 0.01%). This variant has not been reported in the literature in individuals affected with WFS1-related conditions. ClinVar contains an entry for this variant (Variation ID: 3365058). Invitae Evidence Modeling of protein sequence and biophysical properties (such as structural, functional, and spatial information, amino acid conservation, physicochemical variation, residue mobility, and thermodynamic stability) indicates that this missense variant is not expected to disrupt WFS1 protein function with a negative predictive value of 95%. In summary, the available evidence is currently insufficient to determine the role of this variant in disease. Therefore, it has been classified as a Variant of Uncertain Significance.

Fulgent Genetics
Classification: Uncertain significance for Cataract 41; Type 2 diabetes mellitus; Wolfram syndrome 1; Autosomal dominant nonsyndromic hearing loss 6; Wolfram-like syndrome. Last evaluated: 2024-05-17. Review status: criteria provided, single submitter. Criteria: ACMG Guidelines, 2015. Collection method: clinical testing. Allele origin: germline.

GeneDx
Classification: Uncertain significance. Last evaluated: 2023-12-04. Review status: criteria provided, single submitter. Criteria: GeneDx Variant Classification Process June 2021. Collection method: clinical testing. Allele origin: germline. Affected: yes.
Comment: In silico analysis supports that this missense variant does not alter protein structure/function; Has not been previously published as pathogenic or benign to our knowledge

Blueprint Genetics
Classification: Uncertain significance. Last evaluated: 2021-03-27. Review status: criteria provided, single submitter. Criteria: ACMG Guidelines, 2015. Collection method: clinical testing. Allele origin: germline.

NM_006005.3(WFS1):c.970A>G (p.Ile324Val)

Gene: WFS1 (wolframin ER transmembrane glycoprotein; plus strand). Cytogenetic location: 4p16.1.
Variant type: single nucleotide variant.
Coding change: c.970A>G on transcript NM_006005.3 (MANE Select); coding-DNA position 970, A replaced by G.
Protein change: p.Ile324Val; replaces isoleucine 324 with valine.
Molecular consequence: missense variant.
Genome position (GRCh38, 1-based): chr4:6,300,765, A>G. VCF-style: chr4-6300765-A-G. GRCh37 (hg19) VCF-style: chr4-6302492-A-G.
Other names: c.970A>G, p.Ile324Val (NM_001145853.1); short protein forms I324V.
Identifiers: ClinVar variation 3365058 (VCV003365058.5).